The following is an entry in ClinVar:

ClinVar aggregate classification (germline): Benign/Likely benign. Review status: criteria provided, multiple submitters, no conflicts (2 of 4 stars). 9 submissions from 9 submitters: Benign (2); Likely benign (5). 2 of the submissions do not count toward it. Last evaluated 2026-06-01.

Conditions:
Combined oxidative phosphorylation defect type 14. Also called: Combined oxidative phosphorylation deficiency 14. Identifiers: Orphanet 319519, MedGen C4755312, MONDO:0013986, OMIM 614946.

Allele frequency attached by ClinVar (database versions not stated): 1000 Genomes Project 0.00040; 1000 Genomes Project 30x 0.00047; gnomAD 0.00124 and 0.00128; gnomAD exomes 0.00136 and 0.00182; ESP Exome Variant Server 0.00138; ExAC 0.00140; TOPMed 0.00144.
gnomAD v4.1: 2,804 of 1,605,564 alleles (0.17%); highest among the groups gnomAD compares: Non-Finnish European, 0.22%; 4 homozygotes.

Submissions (9):

CeGaT Center for Human Genetics Tuebingen
Classification: Likely benign. Last evaluated: 2026-06-01. Review status: criteria provided, single submitter. Criteria: CeGaT Center For Human Genetics Tuebingen Variant Classification Criteria Version 2. Collection method: clinical testing. Allele origin: germline. Affected: yes. Observed: 16 variant alleles.
Comment: FARS2: BP4, BP7

Labcorp Genetics (formerly Invitae), Labcorp
Classification: Likely benign for Combined oxidative phosphorylation defect type 14. Last evaluated: 2026-02-03. Review status: criteria provided, single submitter. Criteria: Invitae Variant Classification Sherloc (09022015). Collection method: clinical testing. Allele origin: germline.

Mayo Clinic Laboratories, Mayo Clinic
Classification: Likely benign. Last evaluated: 2025-10-21. Review status: criteria provided, single submitter. Criteria: ACMG Guidelines, 2015. Collection method: clinical testing. Allele origin: germline. Observed: 8 variant alleles.
Comment: BP4, BP7

Blueprint Genetics
Classification: Likely benign. Last evaluated: 2024-10-03. Review status: criteria provided, single submitter. Criteria: ACMG Guidelines, 2015. Collection method: clinical testing. Allele origin: germline.

Wong Mito Lab, Molecular and Human Genetics, Baylor College of Medicine
Classification: Benign for Combined oxidative phosphorylation deficiency 14. Last evaluated: 2018-06-13. Review status: criteria provided, single submitter. Criteria: ACMG Guidelines, 2015. Collection method: clinical testing. Allele origin: germline.

GeneDx
Classification: Benign. Last evaluated: 2014-04-16. Review status: criteria provided, single submitter. Criteria: GeneDx Variant Classification (06012015). Collection method: clinical testing. Allele origin: germline. Affected: yes.
Comment: This variant is considered likely benign or benign based on one or more of the following criteria: it is a conservative change, it occurs at a poorly conserved position in the protein, it is predicted to be benign by multiple in silico algorithms, and/or has population frequency not consistent with disease.

Breakthrough Genomics
Classification: Likely benign. Review status: criteria provided, single submitter. Criteria: ACMG Guidelines, 2015. Collection method: not provided. Allele origin: germline. Inheritance: Autosomal recessive inheritance. Affected: yes.

Clinical Genetics DNA and cytogenetics Diagnostics Lab, Erasmus MC, Erasmus Medical Center
Classification: Likely benign. Review status: no assertion criteria provided. Collection method: clinical testing. Allele origin: germline. Affected: yes. Study: VKGL Data-share Consensus. Not counted in ClinVar's aggregate classification.

Genome Diagnostics Laboratory, University Medical Center Utrecht
Classification: Likely benign. Review status: no assertion criteria provided. Collection method: clinical testing. Allele origin: germline. Affected: yes. Study: VKGL Data-share Consensus. Not counted in ClinVar's aggregate classification.

NM_006567.5(FARS2):c.606G>A (p.Lys202=)

Genes: FARS2 (phenylalanyl-tRNA synthetase 2, mitochondrial; plus strand), LOC126859565 (CDK7 strongly-dependent group 2 enhancer GRCh37_chr6:5368745-5369944; plus strand). Cytogenetic location: 6p25.1.
Variant type: single nucleotide variant.
Coding change: c.606G>A on transcript NM_006567.5 (MANE Select); coding-DNA position 606, G replaced by A.
Protein change: p.Lys202=; no amino-acid change (lysine 202 retained).
Molecular consequence: synonymous variant. On other transcripts: intron variant (2).
Genome position (GRCh38, 1-based): chr6:5,369,176, G>A. VCF-style: chr6-5369176-G-A. GRCh37 (hg19) VCF-style: chr6-5369409-G-A.
Other names: p.K202K:AAG>AAA; p.Lys202=; c.606G>A, p.Lys202= (NM_001318872.2, NM_001374875.1, NM_001374876.1 and 5 more transcripts); c.-340-27457G>A (NM_001375260.1); c.-84-35366G>A (NM_001375259.1).
Identifiers: ClinVar variation 137290 (VCV000137290.55), dbSNP rs17851782, ClinGen allele CA290841.